The following is an entry in ClinVar:

ClinVar aggregate classification (germline): Uncertain significance (1 of 4 stars; one submission).

Conditions:
EGFR-related lung cancer (EGFR). Identifiers: MedGen CN130014.

Allele frequency attached by ClinVar (database versions not stated): ExAC 0.00001; gnomAD 0.00001; TOPMed below 0.00001.
gnomAD v4.1: 8 of 1,614,050 alleles (0.0005%); highest among the groups gnomAD compares: Non-Finnish European, 0.00068%; no homozygotes.

Submission:

Labcorp Genetics (formerly Invitae), Labcorp
Classification: Uncertain significance for EGFR-related lung cancer. Last evaluated: 2022-03-04. Review status: criteria provided, single submitter. Criteria: Invitae Variant Classification Sherloc (09022015). Collection method: clinical testing. Allele origin: germline.
Comment: This variant is present in population databases (rs766347941, gnomAD 0.002%). This sequence change replaces serine, which is neutral and polar, with arginine, which is basic and polar, at codon 1162 of the EGFR protein (p.Ser1162Arg). This variant has not been reported in the literature in individuals affected with EGFR-related conditions. ClinVar contains an entry for this variant (Variation ID: 1041815). Algorithms developed to predict the effect of missense changes on protein structure and function (SIFT, PolyPhen-2, Align-GVGD) all suggest that this variant is likely to be tolerated. In summary, the available evidence is currently insufficient to determine the role of this variant in disease. Therefore, it has been classified as a Variant of Uncertain Significance.

NM_005228.5(EGFR):c.3486C>G (p.Ser1162Arg)

Gene: EGFR (epidermal growth factor receptor; plus strand). Cytogenetic location: 7p11.2.
Variant type: single nucleotide variant.
Coding change: c.3486C>G on transcript NM_005228.5 (MANE Select); coding-DNA position 3486, C replaced by G.
Protein change: p.Ser1162Arg; replaces serine 1162 with arginine.
Molecular consequence: missense variant.
Genome position (GRCh38, 1-based): chr7:55,205,470, C>G. VCF-style: chr7-55205470-C-G. GRCh37 (hg19) VCF-style: chr7-55273163-C-G.
Other names: c.3351C>G, p.Ser1117Arg (NM_001346899.2); c.3327C>G, p.Ser1109Arg (NM_001346900.2); c.2685C>G, p.Ser895Arg (NM_001346941.2); short protein forms S895R, S1162R, S1109R, S1117R.
Identifiers: ClinVar variation 1041815 (VCV001041815.6), dbSNP rs766347941, ClinGen allele CA4266411.